The following is an entry in ClinVar:

GRCh37/hg19 4p12-11(chr4:45868775-48273513)x3

Genes: ATP10D (ATPase phospholipid transporting 10D (putative); plus strand), CNGA1 (cyclic nucleotide gated channel subunit alpha 1; minus strand), COMMD8 (COMM domain containing 8; minus strand), CORIN (corin, serine peptidase; minus strand), COX7B2 (cytochrome c oxidase subunit 7B2; minus strand) and 8 more. Cytogenetic location: 4p12-11.
Variant type: copy number gain.
Change: copy number 3 (three copies instead of two) of chr4:45,868,775-48,273,513 (2.40 Mb, GRCh37 coordinates, 1-based), cytogenetic band 4p12-11.
Identifiers: ClinVar variation 694454 (VCV000694454.3).

ClinVar aggregate classification (germline): Likely pathogenic (1 of 4 stars; one submission).

Conditions:
Autism (AUTS). Also called: Autistic disorder; Autistic disorder of childhood onset. Identifiers: MedGen C0004352, MeSH D001321, MONDO:0005260, OMIM 209850, HP:0000717.

Submission:

Molecular Pathology Laboratory, Cleveland Clinic
Classification: Likely pathogenic for Autism. Last evaluated: 2018-08-01. Review status: criteria provided, single submitter. Criteria: ACMG CNV Guidelines, 2011. Collection method: clinical testing. Allele origin: maternal. Affected: yes. Observed: 5 variant alleles. Clinical features observed: Speech delay, Obstructive sleep apnea, Eustacian tube dysfunction, Macrocephaly, Dysmorphic facial features.
Comment: Three sibs with autism; variant inherited from apparently unaffected mother and mat grandfather

Literature cited by the submitters: PubMed 23695283; PubMed 16080114.